The following is an entry in ClinVar:

ClinVar aggregate classification (germline): Uncertain significance (1 of 4 stars; one submission).

gnomAD v4.1: 3 of 1,614,004 alleles (0.00019%); highest among the groups gnomAD compares: Admixed American, 0.005%; no homozygotes.

Submission:

Labcorp Genetics (formerly Invitae), Labcorp
Classification: Uncertain significance. Last evaluated: 2024-11-17. Review status: criteria provided, single submitter. Criteria: Invitae Variant Classification Sherloc (09022015). Collection method: clinical testing. Allele origin: germline.
Comment: This sequence change replaces serine, which is neutral and polar, with glycine, which is neutral and non-polar, at codon 88 of the SLC51B protein (p.Ser88Gly). This variant is present in population databases (no rsID available, gnomAD 0.003%). This variant has not been reported in the literature in individuals affected with SLC51B-related conditions. An algorithm developed to predict the effect of missense changes on protein structure and function (PolyPhen-2) suggests that this variant is likely to be tolerated. In summary, the available evidence is currently insufficient to determine the role of this variant in disease. Therefore, it has been classified as a Variant of Uncertain Significance.

NM_178859.4(SLC51B):c.262A>G (p.Ser88Gly)

Genes: RASL12 (RAS like family 12; minus strand), SLC51B (SLC51 subunit beta; plus strand). Cytogenetic location: 15q22.31.
Variant type: single nucleotide variant.
Coding change: c.262A>G on transcript NM_178859.4 (MANE Select); coding-DNA position 262, A replaced by G.
Protein change: p.Ser88Gly; replaces serine 88 with glycine.
Molecular consequence: missense variant.
Genome position (GRCh38, 1-based): chr15:65,053,039, A>G. VCF-style: chr15-65053039-A-G. GRCh37 (hg19) VCF-style: chr15-65345377-A-G.
Other names: short protein forms S88G.
Identifiers: ClinVar variation 3683272 (VCV003683272.2).